The following is an entry in ClinVar:

NM_000051.4(ATM):c.150_153delinsG (p.Gln51del)

Gene: ATM (ATM serine/threonine kinase; plus strand). Cytogenetic location: 11q22.3.
Variant type: Indel.
Coding change: c.150_153delinsG on transcript NM_000051.4 (MANE Select); coding-DNA positions 150 to 153, ACAA replaced by G.
Protein change: p.Gln51del; deletes glutamine 51.
Molecular consequence: inframe deletion.
Genome position (GRCh38, 1-based): chr11:108,227,853-108,227,856, ACAA replaced by G. VCF-style: chr11-108227853-ACAA-G. GRCh37 (hg19) VCF-style: chr11-108098580-ACAA-G.
Other names: c.150_153delinsG, p.Gln51del (NM_001351834.2, NM_001351835.2, NM_001351836.2); short protein forms Q51del.
Identifiers: ClinVar variation 4866190 (VCV004866190.1).
Genomic context (GRCh38, chr11:108,227,853, plus strand): 5'-TAAGCGCCTGATTCGAGATCCTGAAACAATTAAACATCTAGATCGGCATTCAGATTCCAA[ACAA>G]GGAAAATATTTGAATTGGGATGCTGTTTTTAGGTATTCTATTCAAATTTATTTTACTGTC-3'

ClinVar aggregate classification (germline): Uncertain significance (1 of 4 stars; one submission).

Conditions:
Hereditary cancer-predisposing syndrome. Also called: Neoplastic Syndromes, Hereditary; Tumor predisposition; Hereditary Cancer Syndrome; Hereditary neoplastic syndrome. Identifiers: Orphanet 140162, MedGen C0027672, MeSH D009386, MONDO:0015356.

Submission:

Ambry Genetics
Classification: Uncertain significance for Hereditary cancer-predisposing syndrome. Last evaluated: 2026-04-14. Review status: criteria provided, single submitter. Criteria: Ambry Variant Classification Scheme 2023. Collection method: clinical testing. Allele origin: germline.
Comment: The c.150_153delACAAinsG variant (also known as p.Q51del), located in coding exon 2 of the ATM gene, results from an in-frame deletion of ACAA and insertion of G at nucleotide positions 150 to 153. This results in the deletion of the glutamine residue at codon 51. This amino acid position is not well conserved in available vertebrate species. In addition, the in silico prediction for this variant is inconclusive (Choi Y et al. PLoS ONE. 2012; 7(10):e46688). Based on the available evidence, the clinical significance of this variant remains unclear.